The following is an entry in ClinVar:

NM_000271.5(NPC1):c.494C>A (p.Ala165Asp)

Gene: NPC1 (NPC intracellular cholesterol transporter 1; minus strand). Cytogenetic location: 18q11.2.
Variant type: single nucleotide variant.
Coding change: c.494C>A on transcript NM_000271.5 (MANE Select); coding-DNA position 494, C replaced by A.
Protein change: p.Ala165Asp; replaces alanine 165 with aspartic acid.
Molecular consequence: missense variant.
Genome position (GRCh38, 1-based): chr18:23,561,497, G>T on the plus strand (C>A on the coding strand, the complement: NPC1 is on the minus strand). VCF-style: chr18-23561497-G-T. GRCh37 (hg19) VCF-style: chr18-21141461-G-T.
Other names: c.494C>A (NM_000271.4); short protein forms A165D.
Identifiers: ClinVar variation 502282 (VCV000502282.8), dbSNP rs1555638953, ClinGen allele CA401782868.

ClinVar aggregate classification (germline): Uncertain significance. Review status: criteria provided, multiple submitters, no conflicts (2 of 4 stars). 4 submissions from 4 submitters: Uncertain significance (4). Last evaluated 2022-09-01.

Conditions:
NPC1-related disorder. Also called: NPC1-related condition.
Inborn genetic diseases. Identifiers: MedGen C0950123, MeSH D030342.
Niemann-Pick disease, type C1. Also called: NIEMANN-PICK DISEASE, VARIANT TYPE C1; NEUROVISCERAL STORAGE DISEASE WITH VERTICAL SUPRANUCLEAR OPHTHALMOPLEGIA; NIEMANN-PICK DISEASE WITH CHOLESTEROL ESTERIFICATION BLOCK; NIEMANN-PICK DISEASE WITHOUT SPHINGOMYELINASE DEFICIENCY; NIEMANN-PICK DISEASE, CHRONIC NEURONOPATHIC FORM. Identifiers: Orphanet 646, MedGen C3179455, MONDO:0009757, OMIM 257220.

Allele frequency attached by ClinVar (database versions not stated): TOPMed 0.00001.

Submissions (4):

Labcorp Genetics (formerly Invitae), Labcorp
Classification: Uncertain significance for Niemann-Pick disease, type C1. Last evaluated: 2022-09-01. Review status: criteria provided, single submitter. Criteria: Invitae Variant Classification Sherloc (09022015). Collection method: clinical testing. Allele origin: germline.
Comment: This sequence change replaces alanine, which is neutral and non-polar, with aspartic acid, which is acidic and polar, at codon 165 of the NPC1 protein (p.Ala165Asp). This variant is not present in population databases (gnomAD no frequency). This variant has not been reported in the literature in individuals affected with NPC1-related conditions. ClinVar contains an entry for this variant (Variation ID: 502282). Algorithms developed to predict the effect of missense changes on protein structure and function are either unavailable or do not agree on the potential impact of this missense change (SIFT: "Tolerated"; PolyPhen-2: "Possibly Damaging"; Align-GVGD: "Class C0"). In summary, the available evidence is currently insufficient to determine the role of this variant in disease. Therefore, it has been classified as a Variant of Uncertain Significance.

PreventionGenetics, part of Exact Sciences
Classification: Uncertain significance for NPC1-related condition. Last evaluated: 2022-08-24. Review status: criteria provided, single submitter. Criteria: ACMG Guidelines, 2015. Collection method: clinical testing. Allele origin: germline.
Comment: The NPC1 c.494C>A variant is predicted to result in the amino acid substitution p.Ala165Asp. To our knowledge, this variant has not been reported in the literature or in a large population database, indicating this variant is rare. At this time, the clinical significance of this variant is uncertain due to the absence of conclusive functional and genetic evidence.

Ambry Genetics
Classification: Uncertain significance for Inborn genetic diseases. Last evaluated: 2022-03-14. Review status: criteria provided, single submitter. Criteria: Ambry Variant Classification Scheme 2023. Collection method: clinical testing. Allele origin: germline.

Eurofins Ntd Llc (ga)
Classification: Uncertain significance. Last evaluated: 2018-09-06. Review status: criteria provided, single submitter. Criteria: EGL ClinVar v180209 classification definitions. Collection method: clinical testing. Allele origin: germline. Observed: 2 variant alleles, 2 heterozygotes.

Literature cited by the submitters: PubMed 30552426 (cited by Ambry Genetics).